The following is an entry in ClinVar:

ClinVar aggregate classification (germline): Likely benign. Review status: criteria provided, multiple submitters, no conflicts (2 of 4 stars). 2 submissions from 2 submitters: Likely benign (2). Last evaluated 2024-11-20.

Submissions (2):

Blueprint Genetics
Classification: Likely benign. Last evaluated: 2024-11-20. Review status: criteria provided, single submitter. Criteria: ACMG Guidelines, 2015. Collection method: clinical testing. Allele origin: germline.

Women's Health and Genetics/Laboratory Corporation of America, LabCorp
Classification: Likely benign. Last evaluated: 2024-10-09. Review status: criteria provided, single submitter. Criteria: LabCorp Variant Classification Summary - May 2015. Collection method: clinical testing. Allele origin: germline.
Comment: Variant summary: ATN1 c.3214+10C>T alters a non-conserved nucleotide located at a position not widely known to affect splicing. Consensus agreement among computation tools predict no significant impact on normal splicing. However, these predictions have yet to be confirmed by functional studies. The variant allele was found at a frequency of 1.3e-05 in 226696 control chromosomes. The available data on variant occurrences in the general population are insufficient to allow any conclusion about variant significance. To our knowledge, no occurrence of c.3214+10C>T in individuals affected with ATN1-Related Disorders and no experimental evidence demonstrating its impact on protein function have been reported. No submitters have cited clinical-significance assessments for this variant to ClinVar. Based on the evidence outlined above, the variant was classified as likely benign.

NM_001940.4(ATN1):c.3214+10C>T

Gene: ATN1 (atrophin 1; plus strand). Cytogenetic location: 12p13.31.
Variant type: single nucleotide variant.
Coding change: c.3214+10C>T on transcript NM_001940.4 (MANE Select); 10 bases into the intron after coding-DNA position 3214, C replaced by T.
Molecular consequence: intron variant.
Genome position (GRCh38, 1-based): chr12:6,939,187, C>T. VCF-style: chr12-6939187-C-T. GRCh37 (hg19) VCF-style: chr12-7048350-C-T.
Other names: c.3214+10C>T (NM_001424176.1, NM_001007026.2, NM_001424177.1 and 1 more transcripts); c.3211+10C>T (NM_001424179.1, NM_001424182.1, NM_001424180.1).
Identifiers: ClinVar variation 3384810 (VCV003384810.2).